The following is an entry in ClinVar:

ClinVar aggregate classification (germline): Uncertain significance (1 of 4 stars; one submission).

Submission:

Ambry Genetics
Classification: Uncertain significance. Last evaluated: 2023-03-21. Review status: criteria provided, single submitter. Criteria: Ambry Variant Classification Scheme 2023. Collection method: clinical testing. Allele origin: germline.
Comment: The c.731+3A>G intronic variant results from an A to G substitution 3 nucleotides after coding exon 3 in the GALNT12 gene. This nucleotide position is poorly conserved in available vertebrate species. In silico splice site analysis for this alteration is inconclusive. The evidence for this gene-disease relationship is limited; therefore, the clinical significance of this alteration is unclear.

NM_024642.5(GALNT12):c.731+3A>G

Gene: GALNT12 (polypeptide N-acetylgalactosaminyltransferase 12; plus strand). Cytogenetic location: 9q22.33.
Variant type: single nucleotide variant.
Coding change: c.731+3A>G on transcript NM_024642.5 (MANE Select); 3 bases into the intron after coding-DNA position 731, A replaced by G.
Molecular consequence: intron variant.
Genome position (GRCh38, 1-based): chr9:98,826,944, A>G. VCF-style: chr9-98826944-A-G. GRCh37 (hg19) VCF-style: chr9-101589226-A-G.
Identifiers: ClinVar variation 1758259 (VCV001758259.3), dbSNP rs2490502747, ClinGen allele CA2580080831.